The following is an entry in ClinVar:

NM_206937.2(LIG4):c.2321T>C (p.Leu774Pro)

Gene: LIG4 (DNA ligase 4; minus strand). Cytogenetic location: 13q33.3.
Variant type: single nucleotide variant.
Coding change: c.2321T>C on transcript NM_206937.2 (MANE Select); coding-DNA position 2321, T replaced by C.
Protein change: p.Leu774Pro; replaces leucine 774 with proline.
Molecular consequence: missense variant.
Genome position (GRCh38, 1-based): chr13:108,208,948, A>G on the plus strand (T>C on the coding strand, the complement: LIG4 is on the minus strand). VCF-style: chr13-108208948-A-G. GRCh37 (hg19) VCF-style: chr13-108861296-A-G.
Other names: c.2321T>C, p.Leu774Pro (NM_001098268.2, NM_001352598.2, NM_001352599.2 and 6 more transcripts); c.2120T>C, p.Leu707Pro (NM_001330595.2); c.2357T>C, p.Leu786Pro (NM_001352604.2); short protein forms L774P, L707P, L786P.
Identifiers: ClinVar variation 397529 (VCV000397529.2), dbSNP rs1060499662, ClinGen allele CA16609403.
Genomic context (GRCh38, chr13:108,208,948, plus strand): 5'-GAAGCCATTTCTTCAGGAGTCTGCTCGTTAGAATTTTTAATTCCTGAGAATACTTCCTTC[A>G]GTTGGTTCAAGTCTGTATCAATGAAATAACTATCACCATAGCAATCATATTCACGGGCAA-3'
Protein context (NP_996820.1, residues 764-784): SYFIDTDLNQ[Leu774Pro]KEVFSGIKNS

ClinVar aggregate classification (germline): Likely pathogenic (1 of 4 stars; one submission).

Conditions:
DNA ligase IV deficiency. Identifiers: Orphanet 99812, MedGen C1847827, MONDO:0011686, OMIM 606593.

Allele frequency attached by ClinVar (database versions not stated): gnomAD exomes below 0.00001; TOPMed below 0.00001.

Submission:

Center of Genomic medicine, Geneva, University Hospital of Geneva
Classification: Likely pathogenic for DNA ligase IV deficiency. Last evaluated: 2014-07-07. Review status: criteria provided, single submitter. Criteria: MacArthur et al. (Nature 2014). Collection method: clinical testing. Allele origin: maternal. Affected: yes. Observed: 3 variant alleles.